The following is an entry in ClinVar:

ClinVar aggregate classification (germline): Uncertain significance (1 of 4 stars; one submission).

Allele frequency attached by ClinVar (database versions not stated): gnomAD exomes below 0.00001; TOPMed 0.00001.
gnomAD v4.1: 3 of 1,610,520 alleles (0.00019%); highest among the groups gnomAD compares: Admixed American, 0.005%; no homozygotes.

Submission:

Labcorp Genetics (formerly Invitae), Labcorp
Classification: Uncertain significance. Last evaluated: 2025-06-04. Review status: criteria provided, single submitter. Criteria: Invitae Variant Classification Sherloc (09022015). Collection method: clinical testing. Allele origin: germline.
Comment: This sequence change replaces alanine, which is neutral and non-polar, with glycine, which is neutral and non-polar, at codon 4532 of the PCLO protein (p.Ala4532Gly). This variant is present in population databases (no rsID available, gnomAD 0.003%). This variant has not been reported in the literature in individuals affected with PCLO-related conditions. ClinVar contains an entry for this variant (Variation ID: 1475977). Experimental studies and prediction algorithms are not available or were not evaluated, and the functional significance of this variant is currently unknown. In summary, the available evidence is currently insufficient to determine the role of this variant in disease. Therefore, it has been classified as a Variant of Uncertain Significance.

NM_033026.6(PCLO):c.13595C>G (p.Ala4532Gly)

Gene: PCLO (piccolo presynaptic cytomatrix protein; minus strand). Cytogenetic location: 7q21.11.
Variant type: single nucleotide variant.
Coding change: c.13595C>G on transcript NM_033026.6 (MANE Select); coding-DNA position 13595, C replaced by G.
Protein change: p.Ala4532Gly; replaces alanine 4532 with glycine.
Molecular consequence: missense variant.
Genome position (GRCh38, 1-based): chr7:82,879,396, G>C on the plus strand (C>G on the coding strand, the complement: PCLO is on the minus strand). VCF-style: chr7-82879396-G-C. GRCh37 (hg19) VCF-style: chr7-82508712-G-C.
Other names: c.13595C>G, p.Ala4532Gly (NM_014510.3); short protein forms A4532G.
Identifiers: ClinVar variation 1475977 (VCV001475977.8), dbSNP rs1215169978, ClinGen allele CA367882469.
Genomic context (GRCh38, chr7:82,879,396, plus strand): 5'-CCTTCCATAAGCTTCCCCGTCTGTTCCGCACTTCCCCCAGGAAGAATCTTGGCAATATAG[G>C]CTCCAATTTCTCCACTATGTCCCGGGATTTCTTTACCACCCACAATTCTAATTCCTAATC-3'
Protein context (NP_149015.2, residues 4522-4542): EIPGHSGEIG[Ala4532Gly]YIAKILPGGS